The following is an entry in ClinVar:

NM_001127217.3(SMAD9):c.1024G>A (p.Gly342Arg)

Gene: SMAD9 (SMAD family member 9; minus strand). Cytogenetic location: 13q13.3.
Variant type: single nucleotide variant.
Coding change: c.1024G>A on transcript NM_001127217.3 (MANE Select); coding-DNA position 1024, G replaced by A.
Protein change: p.Gly342Arg; replaces glycine 342 with arginine.
Molecular consequence: missense variant.
Genome position (GRCh38, 1-based): chr13:36,853,655, C>T on the plus strand (G>A on the coding strand, the complement: SMAD9 is on the minus strand). VCF-style: chr13-36853655-C-T. GRCh37 (hg19) VCF-style: chr13-37427792-C-T.
Other names: c.913G>A, p.Gly305Arg (NM_001378621.1, NM_005905.6); short protein forms G305R, G342R.
Identifiers: ClinVar variation 3343324 (VCV003343324.1).

ClinVar aggregate classification (germline): Uncertain significance (1 of 4 stars; one submission).

gnomAD v4.1: 50 of 1,613,984 alleles (0.0031%); highest among the groups gnomAD compares: African/African-American, 0.045%; no homozygotes.

Submission:

GeneDx
Classification: Uncertain significance. Last evaluated: 2023-05-10. Review status: criteria provided, single submitter. Criteria: GeneDx Variant Classification Process June 2021. Collection method: clinical testing. Allele origin: germline. Affected: yes.
Comment: In silico analysis supports that this missense variant has a deleterious effect on protein structure/function; Has not been previously published as pathogenic or benign to our knowledge